The following is an entry in ClinVar:

NM_032578.4(MYPN):c.748A>C (p.Thr250Pro)

Gene: MYPN (myopalladin; plus strand). Cytogenetic location: 10q21.3.
Variant type: single nucleotide variant.
Coding change: c.748A>C on transcript NM_032578.4 (MANE Select); coding-DNA position 748, A replaced by C.
Protein change: p.Thr250Pro; replaces threonine 250 with proline.
Molecular consequence: missense variant. On other transcripts: 5 prime UTR variant (1), non-coding transcript variant (1).
Genome position (GRCh38, 1-based): chr10:68,122,186, A>C. VCF-style: chr10-68122186-A-C. GRCh37 (hg19) VCF-style: chr10-69881943-A-C.
Other names: c.748A>C, p.Thr250Pro (NM_001256267.2); c.-375A>C (NM_001256268.2); c.748A>C (NM_032578.2); short protein forms T250P.
Identifiers: ClinVar variation 412012 (VCV000412012.12), dbSNP rs770824805, ClinGen allele CA5522324.

ClinVar aggregate classification (germline): Uncertain significance. Review status: criteria provided, multiple submitters, no conflicts (2 of 4 stars). 3 submissions from 3 submitters: Uncertain significance (3). Last evaluated 2025-07-15.

Conditions:
Cardiovascular phenotype. Identifiers: MedGen CN230736.
Dilated cardiomyopathy 1KK (CMD1KK). Identifiers: Orphanet 154, Orphanet 75249, MedGen C3714995, MONDO:0014100, OMIM 615248.

Allele frequency attached by ClinVar (database versions not stated): ExAC 0.00002; gnomAD exomes below 0.00001 and 0.00002; TOPMed 0.00001.
gnomAD v4.1: 6 of 1,609,916 alleles (0.00037%); highest among the groups gnomAD compares: East Asian, 0.013%; no homozygotes.

Submissions (3):

Ambry Genetics
Classification: Uncertain significance for Cardiovascular phenotype. Last evaluated: 2025-07-15. Review status: criteria provided, single submitter. Criteria: Ambry Variant Classification Scheme 2023. Collection method: clinical testing. Allele origin: germline.

Labcorp Genetics (formerly Invitae), Labcorp
Classification: Uncertain significance for Dilated cardiomyopathy 1KK. Last evaluated: 2025-06-06. Review status: criteria provided, single submitter. Criteria: Invitae Variant Classification Sherloc (09022015). Collection method: clinical testing. Allele origin: germline.
Comment: This sequence change replaces threonine, which is neutral and polar, with proline, which is neutral and non-polar, at codon 250 of the MYPN protein (p.Thr250Pro). This variant is present in population databases (rs770824805, gnomAD 0.02%). This variant has not been reported in the literature in individuals affected with MYPN-related conditions. ClinVar contains an entry for this variant (Variation ID: 412012). An algorithm developed to predict the effect of missense changes on protein structure and function (PolyPhen-2) suggests that this variant is likely to be tolerated. In summary, the available evidence is currently insufficient to determine the role of this variant in disease. Therefore, it has been classified as a Variant of Uncertain Significance.

Stanford Center for Inherited Cardiovascular Disease, Stanford University
Classification: Uncertain significance. Last evaluated: 2016-10-11. Review status: criteria provided, single submitter. Criteria: ACMG Guidelines, 2015. Collection method: provider interpretation. Allele origin: germline.